The following is an entry in ClinVar:

NM_014915.3(ANKRD26):c.4261C>G (p.Leu1421Val)

Gene: ANKRD26 (ankyrin repeat domain containing 26; minus strand). Cytogenetic location: 10p12.1.
Variant type: single nucleotide variant.
Coding change: c.4261C>G on transcript NM_014915.3 (MANE Select); coding-DNA position 4261, C replaced by G.
Protein change: p.Leu1421Val; replaces leucine 1421 with valine.
Molecular consequence: missense variant.
Genome position (GRCh38, 1-based): chr10:27,017,747, G>C on the plus strand (C>G on the coding strand, the complement: ANKRD26 is on the minus strand). VCF-style: chr10-27017747-G-C. GRCh37 (hg19) VCF-style: chr10-27306676-G-C.
Other names: c.4258C>G, p.Leu1420Val (NM_001256053.2); short protein forms L1420V, L1421V.
Identifiers: ClinVar variation 2578163 (VCV002578163.1), dbSNP rs1303345896, ClinGen allele CA376358189.
Genomic context (GRCh38, chr10:27,017,747, plus strand): 5'-GTACTGTTTTCATAGATAACAACTCCTCTTGAAGAATTTGGTTCTTTGTATCCAGATGTA[G>C]ACATTTTGAACCTGCAGTCTCCAGTTCTGCTGTAAGATCATCAATCTGAATGAAGACAAT-3'
Protein context (NP_055730.2, residues 1411-1431): AELETAGSKC[Leu1421Val]HLDTKNQILQ

ClinVar aggregate classification (germline): Uncertain significance (1 of 4 stars; one submission).

Allele frequency attached by ClinVar (database versions not stated): TOPMed below 0.00001; gnomAD 0.00001.
gnomAD v4.1: 1 of 1,613,012 alleles (0.000062%); highest among the groups gnomAD compares: Non-Finnish European, 0.000085%; no homozygotes.

Submission:

GeneDx
Classification: Uncertain significance. Last evaluated: 2023-02-28. Review status: criteria provided, single submitter. Criteria: GeneDx Variant Classification Process June 2021. Collection method: clinical testing. Allele origin: germline. Affected: yes.
Comment: Not observed at significant frequency in large population cohorts (gnomAD); In silico analysis supports that this missense variant does not alter protein structure/function; Has not been previously published as pathogenic or benign to our knowledge